The following is an entry in ClinVar:

NM_000370.3(TTPA):c.83_105dup (p.Arg36fs)

Gene: TTPA (alpha tocopherol transfer protein; minus strand). Cytogenetic location: 8q12.3.
Variant type: Duplication.
Coding change: c.83_105dup on transcript NM_000370.3 (MANE Select); coding-DNA positions 83 to 105, 23 bases duplicated (TGGCGGCGCTGCGGCGCCGGGCC).
Protein change: p.Arg36fs; shifts the reading frame from arginine 36.
Molecular consequence: frameshift variant. On other transcripts: non-coding transcript variant (3).
Genome position (GRCh38, 1-based): chr8:63,085,917-63,085,939, GGCCCGGCGCCGCAGCGCCGCCA duplicated on the plus strand (TGGCGGCGCTGCGGCGCCGGGCC on the coding strand, the reverse complement: TTPA is on the minus strand); duplicating any 23 consecutive bases within chr8:63,085,917-63,085,947 gives the same sequence; the c. name uses the placement nearest the transcript's 3' end. VCF-style (leftmost placement, unchanged base first): chr8-63085916-G-GGGCCCGGCGCCGCAGCGCCGCCA. GRCh37 (hg19) VCF-style: chr8-63998475-G-GGGCCCGGCGCCGCAGCGCCGCCA.
Other names: c.83_105dup, p.Arg36fs (NM_001413414.1, NM_001413415.1, NM_001413416.1 and 2 more transcripts); short protein forms R36fs.
Identifiers: ClinVar variation 2788836 (VCV002788836.3), dbSNP rs1554525128, ClinGen allele CA2687442059.
Genomic context (GRCh38, chr8:63,085,916, plus strand): 5'-GGAACCGCAGCAGGAAGGAGTCGGTGAGCGGCAGCGGCGCGAGCGGGACGCCAGCTTCCC[G>GGGCCCGGCGCCGCAGCGCCGCCA]GGCCCGGCGCCGCAGCGCCGCCAGGCCCGGCTGCAGCAACGGAGAGTGGTCCGGTAGCGC-3'

ClinVar aggregate classification (germline): Pathogenic (1 of 4 stars; one submission).

Submission:

Labcorp Genetics (formerly Invitae), Labcorp
Classification: Pathogenic. Last evaluated: 2022-10-19. Review status: criteria provided, single submitter. Criteria: Invitae Variant Classification Sherloc (09022015). Collection method: clinical testing. Allele origin: germline.
Comment: For these reasons, this variant has been classified as Pathogenic. This variant has not been reported in the literature in individuals affected with TTPA-related conditions. This variant is not present in population databases (gnomAD no frequency). This sequence change creates a premature translational stop signal (p.Arg36Trpfs*43) in the TTPA gene. It is expected to result in an absent or disrupted protein product. Loss-of-function variants in TTPA are known to be pathogenic (PMID: 9463307, 26068213).

Literature cited by the submitters: PubMed 9463307; PubMed 26068213.